The following is an entry in ClinVar:

NM_006258.4(PRKG1):c.-5G>A

Gene: PRKG1 (protein kinase cGMP-dependent 1; plus strand). Cytogenetic location: 10q11.23.
Variant type: single nucleotide variant.
Coding change: c.-5G>A on transcript NM_006258.4 (MANE Select); 5 bases upstream of the start codon, G replaced by A.
Molecular consequence: 5 prime UTR variant. On other transcripts: intron variant (1).
Genome position (GRCh38, 1-based): chr10:51,074,586, G>A. VCF-style: chr10-51074586-G-A. GRCh37 (hg19) VCF-style: chr10-52834346-G-A.
Other names: c.-5G>A (NM_001374782.1); c.267-78578G>A (NM_001098512.3).
Identifiers: ClinVar variation 1751003 (VCV001751003.2), dbSNP rs1644117440, ClinGen allele CA928317971.
Genomic context (GRCh38, chr10:51,074,586, plus strand): 5'-AGAGGGGAGGAAGCCTCAAGACGCGGAGCAGCGGCAGGAAGGAGCCCCCGGCAGCCCGGA[G>A]GAGCATGGGCACCTTGCGGGATTTACAGTACGCGCTCCAGGAGAAGATCGAGGAGCTGAG-3'

ClinVar aggregate classification (germline): Uncertain significance (1 of 4 stars; one submission).

Conditions:
Familial thoracic aortic aneurysm and aortic dissection (TAAD). Also called: Thoracic aortic aneurysms and dissections. Identifiers: Orphanet 91387, MedGen C4707243, MONDO:0019625.

Allele frequency attached by ClinVar (database versions not stated): gnomAD exomes below 0.00001; gnomAD 0.00001.
gnomAD v4.1: 4 of 1,604,624 alleles (0.00025%); highest among the groups gnomAD compares: Admixed American, 0.0033%; no homozygotes.

Submission:

Ambry Genetics
Classification: Uncertain significance for Familial thoracic aortic aneurysm and aortic dissection. Last evaluated: 2019-05-31. Review status: criteria provided, single submitter. Criteria: Ambry Variant Classification Scheme 2023. Collection method: clinical testing. Allele origin: germline.
Comment: The c.-5G>A variant is located in the 5' untranslated region (5&rsquo; UTR) of the PRKG1 gene. This variant results from a G to A substitution 5 nucleotides upstream from the first translated codon. This nucleotide position is well conserved in available vertebrate species. Since supporting evidence is limited at this time, the clinical significance of this alteration remains unclear.